The following is an entry in ClinVar:

NM_000426.4(LAMA2):c.7277C>T (p.Thr2426Ile)

Gene: LAMA2 (laminin subunit alpha 2; plus strand). Cytogenetic location: 6q22.33.
Variant type: single nucleotide variant.
Coding change: c.7277C>T on transcript NM_000426.4 (MANE Select); coding-DNA position 7277, C replaced by T.
Protein change: p.Thr2426Ile; replaces threonine 2426 with isoleucine.
Molecular consequence: missense variant.
Genome position (GRCh38, 1-based): chr6:129,465,266, C>T. VCF-style: chr6-129465266-C-T. GRCh37 (hg19) VCF-style: chr6-129786411-C-T.
Other names: c.7277C>T, p.Thr2426Ile (NM_001079823.2); short protein forms T2426I.
Identifiers: ClinVar variation 543843 (VCV000543843.1), dbSNP rs1181609822, ClinGen allele CA365622156.
Genomic context (GRCh38, chr6:129,465,266, plus strand): 5'-CAGGAATGGCTTCCGTTGTCAGCAATCAAAACCATAATGATGGGAAATGGAAATCATTCA[C>T]TCTGTCAAGAATTCAAAAACAAGGTGAGTTTTTACAGTAATAATGCAATATAGGCCTTAA-3'
Protein context (NP_000417.3, residues 2416-2436): NHNDGKWKSF[Thr2426Ile]LSRIQKQANI

ClinVar aggregate classification (germline): Uncertain significance (1 of 4 stars; one submission).

Conditions:
LAMA2-related muscular dystrophy (LAMA2-RD). Also called: Laminin alpha 2-related dystrophy. Identifiers: MedGen C5679788, MONDO:0100228.

Allele frequency attached by ClinVar (database versions not stated): gnomAD exomes below 0.00001 and 0.00004; gnomAD 0.00001; TOPMed 0.00001.
gnomAD v4.1: 53 of 1,611,174 alleles (0.0033%); highest among the groups gnomAD compares: Non-Finnish European, 0.0045%; no homozygotes.

Submission:

Labcorp Genetics (formerly Invitae), Labcorp
Classification: Uncertain significance for LAMA2-related muscular dystrophy. Last evaluated: 2017-10-23. Review status: criteria provided, single submitter. Criteria: Invitae Variant Classification Sherloc (09022015). Collection method: clinical testing. Allele origin: germline.
Comment: This sequence change replaces threonine with isoleucine at codon 2426 of the LAMA2 protein (p.Thr2426Ile). The threonine residue is moderately conserved and there is a moderate physicochemical difference between threonine and isoleucine. This variant is not present in population databases (ExAC no frequency). This variant has not been reported in the literature in individuals with LAMA2-related disease. Algorithms developed to predict the effect of missense changes on protein structure and function do not agree on the potential impact of this missense change (SIFT: "Tolerated"; PolyPhen-2: "Probably Damaging"; Align-GVGD: "Class C0"). In summary, the available evidence is currently insufficient to determine the role of this variant in disease. Therefore, it has been classified as a Variant of Uncertain Significance.